The following is an entry in ClinVar:

NM_006509.4(RELB):c.436G>C (p.Gly146Arg)

Gene: RELB (RELB proto-oncogene, NF-kB subunit; plus strand). Cytogenetic location: 19q13.32.
Variant type: single nucleotide variant.
Coding change: c.436G>C on transcript NM_006509.4 (MANE Select); coding-DNA position 436, G replaced by C.
Protein change: p.Gly146Arg; replaces glycine 146 with arginine.
Molecular consequence: missense variant.
Genome position (GRCh38, 1-based): chr19:45,012,208, G>C. VCF-style: chr19-45012208-G-C. GRCh37 (hg19) VCF-style: chr19-45515466-G-C.
Other names: c.427G>C, p.Gly143Arg (NM_001411087.1); short protein forms G143R, G146R.
Identifiers: ClinVar variation 4718437 (VCV004718437.1).

ClinVar aggregate classification (germline): Uncertain significance (1 of 4 stars; one submission).

Submission:

Labcorp Genetics (formerly Invitae), Labcorp
Classification: Uncertain significance. Last evaluated: 2025-04-27. Review status: criteria provided, single submitter. Criteria: Invitae Variant Classification Sherloc (09022015). Collection method: clinical testing. Allele origin: germline.
Comment: This sequence change replaces glycine, which is neutral and non-polar, with arginine, which is basic and polar, at codon 146 of the RELB protein (p.Gly146Arg). This variant is not present in population databases (gnomAD no frequency). This variant has not been reported in the literature in individuals affected with RELB-related conditions. An algorithm developed to predict the effect of missense changes on protein structure and function (PolyPhen-2) suggests that this variant is likely to be disruptive. In summary, the available evidence is currently insufficient to determine the role of this variant in disease. Therefore, it has been classified as a Variant of Uncertain Significance.